The following is an entry in ClinVar:

ClinVar aggregate classification (germline): Uncertain significance (1 of 4 stars; one submission).

Conditions:
Norman-Roberts syndrome (LIS2). Also called: Lissencephaly 2 (Norman-Roberts type). Identifiers: Orphanet 89844, MedGen C0796089, MONDO:0009760, OMIM 257320.
Familial temporal lobe epilepsy 7. Identifiers: Orphanet 101046, MedGen C4225327, MONDO:0014639, OMIM 616436.

Allele frequency attached by ClinVar (database versions not stated): ExAC 0.00001; gnomAD 0.00001; gnomAD exomes 0.00001.
gnomAD v4.1: 12 of 1,613,694 alleles (0.00074%); highest among the groups gnomAD compares: Middle Eastern, 0.033%; no homozygotes.

Submission:

Labcorp Genetics (formerly Invitae), Labcorp
Classification: Uncertain significance for Familial temporal lobe epilepsy 7; Norman-Roberts syndrome. Last evaluated: 2022-10-17. Review status: criteria provided, single submitter. Criteria: Invitae Variant Classification Sherloc (09022015). Collection method: clinical testing. Allele origin: germline.
Comment: This sequence change replaces phenylalanine, which is neutral and non-polar, with serine, which is neutral and polar, at codon 2891 of the RELN protein (p.Phe2891Ser). This variant is present in population databases (rs752516448, gnomAD 0.007%). This variant has not been reported in the literature in individuals affected with RELN-related conditions. ClinVar contains an entry for this variant (Variation ID: 1347218). Advanced modeling of protein sequence and biophysical properties (such as structural, functional, and spatial information, amino acid conservation, physicochemical variation, residue mobility, and thermodynamic stability) performed at Invitae indicates that this missense variant is not expected to disrupt RELN protein function. In summary, the available evidence is currently insufficient to determine the role of this variant in disease. Therefore, it has been classified as a Variant of Uncertain Significance.

NM_005045.4(RELN):c.8672T>C (p.Phe2891Ser)

Genes: RELN (reelin; minus strand), SLC26A5-AS1 (SLC26A5 antisense RNA 1; plus strand). Cytogenetic location: 7q22.1.
Variant type: single nucleotide variant.
Coding change: c.8672T>C on transcript NM_005045.4 (MANE Select); coding-DNA position 8672, T replaced by C.
Protein change: p.Phe2891Ser; replaces phenylalanine 2891 with serine.
Molecular consequence: missense variant.
Genome position (GRCh38, 1-based): chr7:103,498,248, A>G on the plus strand (T>C on the coding strand, the complement: RELN is on the minus strand). VCF-style: chr7-103498248-A-G. GRCh37 (hg19) VCF-style: chr7-103138695-A-G.
Other names: c.8672T>C, p.Phe2891Ser (NM_173054.3); short protein forms F2891S.
Identifiers: ClinVar variation 1347218 (VCV001347218.8), dbSNP rs752516448, ClinGen allele CA4420404.